The following is an entry in ClinVar:

ClinVar aggregate classification (germline): Uncertain significance (1 of 4 stars; one submission).

Conditions:
Neuroblastoma, susceptibility to, 3. Also called: ALK-Related Neuroblastic Tumor Susceptibility. Identifiers: Orphanet 635, MedGen C2751681, MONDO:0013083, OMIM 613014.

Submission:

Labcorp Genetics (formerly Invitae), Labcorp
Classification: Uncertain significance for Neuroblastoma, susceptibility to, 3. Last evaluated: 2022-03-03. Review status: criteria provided, single submitter. Criteria: Invitae Variant Classification Sherloc (09022015). Collection method: clinical testing. Allele origin: germline.
Comment: In summary, the available evidence is currently insufficient to determine the role of this variant in disease. Therefore, it has been classified as a Variant of Uncertain Significance. This variant has not been reported in the literature in individuals affected with ALK-related conditions. This variant is a gross deletion of the genomic region encompassing exon(s) 2 of the ALK gene. This variant would be expected to be in-frame, preserving the integrity of the reading frame.

NC_000002.12:g.(?_29717568)_(29717707_?)del

Gene: ALK (ALK receptor tyrosine kinase; minus strand). Cytogenetic location: 2p23.2.
Variant type: Deletion.
Identifiers: ClinVar variation 833397 (VCV000833397.4).